The following is an entry in ClinVar:

NM_000059.4(BRCA2):c.9823A>G (p.Ser3275Gly)

Gene: BRCA2 (BRCA2 DNA repair associated; plus strand). Cytogenetic location: 13q13.1.
Variant type: single nucleotide variant.
Coding change: c.9823A>G on transcript NM_000059.4 (MANE Select); coding-DNA position 9823, A replaced by G.
Protein change: p.Ser3275Gly; replaces serine 3275 with glycine.
Molecular consequence: missense variant.
Genome position (GRCh38, 1-based): chr13:32,398,336, A>G. VCF-style: chr13-32398336-A-G. GRCh37 (hg19) VCF-style: chr13-32972473-A-G.
Other names: short protein forms S3275G.
Identifiers: ClinVar variation 1417730 (VCV001417730.8), dbSNP rs2137664130, ClinGen allele CA387766272.

ClinVar aggregate classification (germline): Uncertain significance (1 of 4 stars; one submission).

Conditions:
Hereditary breast ovarian cancer syndrome. Also called: Hereditary breast and ovarian cancer syndrome (HBOC); Breast and ovarian cancer; Hereditary breast and ovarian cancer syndrome; Hereditary breast and/or ovarian cancer syndrome; BRCA1- and BRCA2-Associated Hereditary Breast and Ovarian Cancer; Hereditary breast and ovarian cancer. Identifiers: Orphanet 145, MedGen C0677776, MeSH D061325, MONDO:0003582. Disease mechanism: loss of function.

Submission:

Labcorp Genetics (formerly Invitae), Labcorp
Classification: Uncertain significance for Hereditary breast ovarian cancer syndrome. Last evaluated: 2020-10-22. Review status: criteria provided, single submitter. Criteria: Invitae Variant Classification Sherloc (09022015). Collection method: clinical testing. Allele origin: germline.
Comment: This sequence change replaces serine with glycine at codon 3275 of the BRCA2 protein (p.Ser3275Gly). The serine residue is highly conserved and there is a small physicochemical difference between serine and glycine. This variant is not present in population databases (ExAC no frequency). This variant has not been reported in the literature in individuals with BRCA2-related conditions. Advanced modeling of protein sequence and biophysical properties (such as structural, functional, and spatial information, amino acid conservation, physicochemical variation, residue mobility, and thermodynamic stability) performed at Invitae indicates that this missense variant is not expected to disrupt BRCA2 protein function. In summary, the available evidence is currently insufficient to determine the role of this variant in disease. Therefore, it has been classified as a Variant of Uncertain Significance.